The following is an entry in ClinVar:

NM_000046.5(ARSB):c.391C>T (p.Gln131Ter)

Gene: ARSB (arylsulfatase B; minus strand). Cytogenetic location: 5q14.1.
Variant type: single nucleotide variant.
Coding change: c.391C>T on transcript NM_000046.5 (MANE Select); coding-DNA position 391, C replaced by T.
Protein change: p.Gln131Ter; replaces glutamine 131 with a stop codon.
Molecular consequence: nonsense.
Genome position (GRCh38, 1-based): chr5:78,969,114, G>A on the plus strand (C>T on the coding strand, the complement: ARSB is on the minus strand). VCF-style: chr5-78969114-G-A. GRCh37 (hg19) VCF-style: chr5-78264937-G-A.
Other names: c.391C>T, p.Gln131Ter (NM_198709.3); short protein forms Q131*.
Identifiers: ClinVar variation 4818192 (VCV004818192.1).

ClinVar aggregate classification (germline): Likely pathogenic (1 of 4 stars; one submission).

Conditions:
Mucopolysaccharidosis type 6 (MPS6). Also called: N-ACETYLGALACTOSAMINE-4-SULFATASE DEFICIENCY; MPS VI; ARSB DEFICIENCY; ARYLSULFATASE B DEFICIENCY; MPS 6; Maroteaux Lamy syndrome. Identifiers: Orphanet 583, MedGen C0026709, MONDO:0009661, OMIM 253200.

Submission:

Natera, Inc.
Classification: Likely pathogenic for Mucopolysaccharidosis type VI. Last evaluated: 2024-03-06. Review status: criteria provided, single submitter. Criteria: Natera Variant Classification Schema (03/2026). Collection method: clinical testing. Allele origin: germline.
Comment: The c.391C>T variant in ARSB is a nonsense variant predicted to introduce a stop codon at amino acid 131. This variant is expected to result in nonsense mediated decay, truncation, or a dysfunctional protein product. This variant is rare in the general population with a frequency below the threshold expected for the associated phenotype(s). Given the available evidence, this variant is classified as Likely Pathogenic.